The following is an entry in ClinVar:

ClinVar aggregate classification (germline): Uncertain significance (0 of 4 stars; one submission).

Conditions:
GNAS-related disorder. Identifiers: MedGen CN380105.

Submission:

PreventionGenetics, part of Exact Sciences
Classification: Uncertain significance for GNAS-related condition. Last evaluated: 2024-05-01. Review status: no assertion criteria provided. Collection method: clinical testing. Allele origin: germline.
Comment: The GNAS c.117delC variant is predicted to result in a frameshift and premature protein termination (p.Gly40Valfs*650). Of note, this variant is also referred to as c.-38345delC (pre-coding) with the more commonly reported isoform, NM_000516. To our knowledge, this variant has not been reported in the literature or in a large population database, indicating this variant is rare. At this time, the clinical significance of this variant is uncertain due to the absence of conclusive functional and genetic evidence.

NM_080425.4(GNAS):c.117del (p.Gly40fs)

Gene: GNAS (GNAS complex locus; plus strand). Cytogenetic location: 20q13.32.
Variant type: Deletion.
Coding change: c.117del on transcript NM_080425.4 (MANE Plus Clinical); coding-DNA position 117, one base deleted (C; older notation c.117delC).
Protein change: p.Gly40fs; shifts the reading frame from glycine 40.
Molecular consequence: frameshift variant. On other transcripts: 5 prime UTR variant (2), intron variant (3).
Genome position (GRCh38, 1-based): chr20:58,853,382, C deleted; the last of 5 consecutive C bases (chr20:58,853,378-58,853,382); deleting any one gives the same sequence. VCF-style (leftmost placement, unchanged base first): chr20-58853377-GC-G. GRCh37 (hg19) VCF-style: chr20-57428432-GC-G.
Other names: c.-71del (NM_001077490.3, NM_001309883.1); c.117del, p.Gly40fs (NM_001410913.1); c.*42+12496del (NM_016592.5); c.43+12496del (NM_001410912.1); c.-39+11507del (NM_001309861.2); short protein forms G40fs.
Identifiers: ClinVar variation 3350290 (VCV003350290.1).